The following is an entry in ClinVar:

ClinVar aggregate classification (germline): Uncertain significance (1 of 4 stars; one submission).

Submission:

Women's Health and Genetics/Laboratory Corporation of America, LabCorp
Classification: Uncertain significance. Last evaluated: 2025-07-15. Review status: criteria provided, single submitter. Criteria: LabCorp Variant Classification Summary - May 2015. Collection method: clinical testing. Allele origin: germline.
Comment: Variant summary: IVD c.850C>G (p.Arg284Gly) results in a non-conservative amino acid change in the encoded protein sequence. Algorithms developed to predict the effect of missense changes on protein structure and function all suggest that this variant is likely to be disruptive. The variant was absent in 251190 control chromosomes. The available data on variant occurrences in the general population are insufficient to allow any conclusion about variant significance. To our knowledge, no occurrence of c.850C>G in individuals affected with Isovaleryl-CoA Dehydrogenase Deficiency and no experimental evidence demonstrating its impact on protein function have been reported. No submitters have cited clinical-significance assessments for this variant to ClinVar. Based on the evidence outlined above, the variant was classified as uncertain significance.

NM_002225.5(IVD):c.850C>G (p.Arg284Gly)

Gene: IVD (isovaleryl-CoA dehydrogenase; plus strand). Cytogenetic location: 15q15.1.
Variant type: single nucleotide variant.
Coding change: c.850C>G on transcript NM_002225.5 (MANE Select); coding-DNA position 850, C replaced by G.
Protein change: p.Arg284Gly; replaces arginine 284 with glycine.
Molecular consequence: missense variant. On other transcripts: non-coding transcript variant (1).
Genome position (GRCh38, 1-based): chr15:40,414,954, C>G. VCF-style: chr15-40414954-C-G. GRCh37 (hg19) VCF-style: chr15-40707153-C-G.
Other names: c.760C>G, p.Arg254Gly (NM_001159508.3); c.802C>G, p.Arg268Gly (NM_001354597.3); c.850C>G, p.Arg284Gly (NM_001354598.3, NM_001354601.3); c.937C>G, p.Arg313Gly (NM_001354599.3, NM_001354600.3); short protein forms R254G, R284G, R313G, R268G.
Identifiers: ClinVar variation 4525903 (VCV004525903.1).